The following is an entry in ClinVar:

NM_001034853.2(RPGR):c.2893G>A (p.Glu965Lys)

Gene: RPGR (retinitis pigmentosa GTPase regulator; minus strand). Cytogenetic location: Xp11.4.
Variant type: single nucleotide variant.
Coding change: c.2893G>A on transcript NM_001034853.2 (MANE Select); coding-DNA position 2893, G replaced by A.
Protein change: p.Glu965Lys; replaces glutamic acid 965 with lysine.
Molecular consequence: missense variant. On other transcripts: intron variant (8).
Genome position (GRCh38, 1-based): chrX:38,286,106, C>T on the plus strand (G>A on the coding strand, the complement: RPGR is on the minus strand). VCF-style: chrX-38286106-C-T. GRCh37 (hg19) VCF-style: chrX-38145359-C-T.
Other names: c.1569+4853G>A (NM_001367249.1, NM_001367250.1); c.1902+988G>A (NM_001367245.1); c.1386+4853G>A (NM_001367251.1); c.1719+988G>A (NM_001367246.1); c.1572+4853G>A (NM_001367247.1); c.1905+988G>A (NM_000328.3); c.1602+4853G>A (NM_001367248.1); short protein forms E965K.
Identifiers: ClinVar variation 4084651 (VCV004084651.8).
Genomic context (GRCh38, chrX:38,286,106, plus strand): 5'-CCTCCTCTTCCCCCTCCCCTTCTCCTTCCTCCCCTTCCCCTTCTCCTTCCTCTTCCCCCT[C>T]CCCTTCTCCTTCCTCCTCTTCCCCCTCCCATTCTCCTTCCTCCTCTTCCCCCTCCCCTTC-3'
Protein context (NP_001030025.1, residues 955-975): WEGEEEEGEG[Glu965Lys]GEEEGEGEGE

ClinVar aggregate classification (germline): Likely benign (1 of 4 stars; one submission).

Submission:

CeGaT Center for Human Genetics Tuebingen
Classification: Likely benign. Last evaluated: 2025-07-01. Review status: criteria provided, single submitter. Criteria: CeGaT Center For Human Genetics Tuebingen Variant Classification Criteria Version 2. Collection method: clinical testing. Allele origin: germline. Affected: yes. Observed: 1 variant allele.
Comment: RPGR: BP4, BS2